The following is an entry in ClinVar:

ClinVar aggregate classification (germline): Uncertain significance (1 of 4 stars; one submission).

Conditions:
Glycogen storage disease, type II (IOPD). Also called: Pompe Disease; CARDIOMEGALIA GLYCOGENICA DIFFUSA; GLYCOGENOSIS, GENERALIZED, CARDIAC FORM; GSD II; POMPE DISEASE, INFANTILE-ONSET; GLYCOGEN STORAGE DISEASE II, INFANTILE-ONSET. Identifiers: Orphanet 365, MedGen C0017921, MONDO:0009290, OMIM 232300.

Submission:

Genomenon, Inc
Classification: Uncertain significance for Glycogen storage disease, type II. Last evaluated: 2026-07-01. Review status: criteria provided, single submitter. Criteria: Genomenon Sequence Variant Interpretation Standards - Updated. Collection method: curation. Allele origin: germline. Affected: no.
Comment: GAA c.546+45G>C is an intronic variant located in intron 2. This variant has been reported in the published literature (PMID:31301153;22644586). Splicing studies have been reported (PMID:31301153). It is absent or not present at a significant frequency in gnomAD. In conclusion, we classify GAA c.546+45G>C as a variant of uncertain significance.

Literature cited by the submitters: PubMed 31301153; PubMed 22644586.

NM_000152.5(GAA):c.546+45G>C

Gene: GAA (alpha glucosidase; plus strand). Cytogenetic location: 17q25.3.
Variant type: single nucleotide variant.
Coding change: c.546+45G>C on transcript NM_000152.5 (MANE Select); 45 bases into the intron after coding-DNA position 546, G replaced by C.
Molecular consequence: intron variant.
Genome position (GRCh38, 1-based): chr17:80,105,177, G>C. VCF-style: chr17-80105177-G-C. GRCh37 (hg19) VCF-style: chr17-78078976-G-C.
Other names: c.546+45G>C (NM_001406741.1, NM_001406742.1, NM_001079803.3 and 1 more transcripts).
Identifiers: ClinVar variation 4876404 (VCV004876404.1).